The following is an entry in ClinVar:

NM_000143.4(FH):c.431G>A (p.Gly144Glu)

Gene: FH (fumarate hydratase; minus strand). Cytogenetic location: 1q43.
Variant type: single nucleotide variant.
Coding change: c.431G>A on transcript NM_000143.4 (MANE Select); coding-DNA position 431, G replaced by A.
Protein change: p.Gly144Glu; replaces glycine 144 with glutamic acid.
Molecular consequence: missense variant.
Genome position (GRCh38, 1-based): chr1:241,512,091, C>T on the plus strand (G>A on the coding strand, the complement: FH is on the minus strand). VCF-style: chr1-241512091-C-T. GRCh37 (hg19) VCF-style: chr1-241675391-C-T.
Other names: short protein forms G144E.
Identifiers: ClinVar variation 824791 (VCV000824791.10), dbSNP rs1057521425, ClinGen allele CA345440117.

ClinVar aggregate classification (germline): Conflicting classifications of pathogenicity. Review status: criteria provided, conflicting classifications (1 of 4 stars). 3 submissions from 3 submitters: Pathogenic (1); Likely pathogenic (1); Uncertain significance (1). Last evaluated 2023-10-17.

Conditions:
Hereditary cancer-predisposing syndrome. Also called: Neoplastic Syndromes, Hereditary; Hereditary Cancer Syndrome; Hereditary neoplastic syndrome; Tumor predisposition. Identifiers: Orphanet 140162, MedGen C0027672, MeSH D009386, MONDO:0015356.
Fumarase deficiency (FMRD). Also called: Fumarate Hydratase Deficiency; Fumaric aciduria. Identifiers: Orphanet 24, MedGen C0342770, MONDO:0011730, OMIM 606812.

Allele frequency attached by ClinVar (database versions not stated): gnomAD 0.00001.
gnomAD v4.1: 2 of 1,613,760 alleles (0.00012%); highest among the groups gnomAD compares: African/African-American, 0.0027%; no homozygotes.

Submissions (3):

Ambry Genetics
Classification: Likely pathogenic for Hereditary cancer-predisposing syndrome. Last evaluated: 2023-10-17. Review status: criteria provided, single submitter. Criteria: Ambry Variant Classification Scheme 2023. Collection method: clinical testing. Allele origin: germline.
Comment: The p.G144E variant (also known as c.431G>A), located in coding exon 4 of the FH gene, results from a G to A substitution at nucleotide position 431. The glycine at codon 144 is replaced by glutamic acid, an amino acid with similar properties. This alteration has been observed in at least one individual who has a personal or family history that is consistent with FH-associated disease (Ambry internal data). This variant is considered to be rare based on population cohorts in the Genome Aggregation Database (gnomAD). This amino acid position is highly conserved in available vertebrate species. In addition, this alteration is predicted to be deleterious by in silico analysis. Based on internal structural assessment, this alteration results in destabilization of the FH complex, near the substrate binding site (Ajalla Aleixo MA et al. FEBS J., 2019 May;286:1925-1940; Ambry internal data). Based on the majority of available evidence to date, this variant is likely to be pathogenic.

Labcorp Genetics (formerly Invitae), Labcorp
Classification: Pathogenic. Last evaluated: 2023-10-13. Review status: criteria provided, single submitter. Criteria: Invitae Variant Classification Sherloc (09022015). Collection method: clinical testing. Allele origin: germline.
Comment: This sequence change replaces glycine, which is neutral and non-polar, with glutamic acid, which is acidic and polar, at codon 144 of the FH protein (p.Gly144Glu). This variant is not present in population databases (gnomAD no frequency). This missense change has been observed in individual(s) with clinical features of FH tumor predisposition syndrome (Invitae). ClinVar contains an entry for this variant (Variation ID: 824791). Advanced modeling of protein sequence and biophysical properties (such as structural, functional, and spatial information, amino acid conservation, physicochemical variation, residue mobility, and thermodynamic stability) performed at Invitae indicates that this missense variant is expected to disrupt FH protein function. This variant disrupts the p.Gly144 amino acid residue in FH. Other variant(s) that disrupt this residue have been determined to be pathogenic (PMID: 31831373; Invitae). This suggests that this residue is clinically significant, and that variants that disrupt this residue are likely to be disease-causing. For these reasons, this variant has been classified as Pathogenic.

Baylor Genetics
Classification: Uncertain significance for Fumarase deficiency. Last evaluated: 2023-07-05. Review status: criteria provided, single submitter. Criteria: ACMG Guidelines, 2015. Collection method: clinical testing. Allele origin: unknown.

Literature cited by the submitters: PubMed 30761759 (cited by Ambry Genetics); PubMed 31831373 (cited by Labcorp Genetics (formerly Invitae), Labcorp).